The following is an entry in ClinVar:

NM_001303256.3(MORC2):c.1813-3dup

Gene: MORC2 (MORC family CW-type zinc finger 2; minus strand). Cytogenetic location: 22q12.2.
Variant type: Duplication.
Coding change: c.1813-3dup on transcript NM_001303256.3 (MANE Select); 3 bases into the intron before coding-DNA position 1813, one base duplicated (T; older notation c.1813-3dupT).
Molecular consequence: intron variant.
Genome position (GRCh38, 1-based): chr22:30,935,164, A duplicated on the plus strand (T on the coding strand, the reverse complement: MORC2 is on the minus strand); the first of 7 consecutive A bases (chr22:30,935,164-30,935,170); duplicating any one gives the same sequence. VCF-style (leftmost placement, unchanged base first): chr22-30935163-T-TA. GRCh37 (hg19) VCF-style: chr22-31331150-T-TA.
Other names: c.1813-3dup (NM_001303257.2); c.1627-3dup (NM_014941.3).
Identifiers: ClinVar variation 1780621 (VCV001780621.2), dbSNP rs777649506, ClinGen allele CA639030601.

ClinVar aggregate classification (germline): Uncertain significance (1 of 4 stars; one submission).

Conditions:
Inborn genetic diseases. Identifiers: MedGen C0950123, MeSH D030342.

Submission:

Ambry Genetics
Classification: Uncertain significance for Inborn genetic diseases. Last evaluated: 2021-01-04. Review status: criteria provided, single submitter. Criteria: Ambry Variant Classification Scheme 2023. Collection method: clinical testing. Allele origin: germline.
Comment: The c.1813-3dupT intronic variant, results from a duplication of two nucleotides upstream from coding exon 18 of the MORC2 gene. This nucleotide position is not well conserved in available vertebrate species. In silico splice site analysis predicts that this alteration will not have any significant effect on splicing. Since supporting evidence is limited at this time, the clinical significance of this alteration remains unclear.